The following is an entry in ClinVar:

ClinVar aggregate classification (germline): Benign/Likely benign. Review status: criteria provided, multiple submitters, no conflicts (2 of 4 stars). 9 submissions from 8 submitters: Benign (6); Likely benign (2). 1 of the submissions does not count toward it. Last evaluated 2026-02-02.

Conditions:
3-Methylglutaconic aciduria type 3 (MGCA3). Also called: Costeff Syndrome; OPA3-Related 3-Methylglutaconic Aciduria; OPA3, AUTOSOMAL RECESSIVE; OPTIC ATROPHY 3, AUTOSOMAL RECESSIVE. Identifiers: Orphanet 67047, MedGen C0574084, MONDO:0009787, OMIM 258501.
Optic atrophy 3 (OPA3). Also called: Optic atrophy, cataract, and neurologic disorder; Optic atrophy 3 with cataract; OPTIC ATROPHY 3, AUTOSOMAL DOMINANT. Identifiers: Orphanet 67036, MedGen C1833809, MONDO:0008133, OMIM 165300.

Allele frequency attached by ClinVar (database versions not stated): gnomAD exomes 0.00039 and 0.00107; ExAC 0.00131; 1000 Genomes Project 30x 0.00219; 1000 Genomes Project 0.00220; gnomAD 0.00431 and 0.00477; ESP Exome Variant Server 0.00437; TOPMed 0.00528.
gnomAD v4.1: 1,244 of 1,606,022 alleles (0.077%); highest among the groups gnomAD compares: African/African-American, 1.5%; 13 homozygotes.

Submissions (9):

Labcorp Genetics (formerly Invitae), Labcorp
Classification: Benign for 3-Methylglutaconic aciduria type 3; Optic atrophy 3. Last evaluated: 2026-02-02. Review status: criteria provided, single submitter. Criteria: Invitae Variant Classification Sherloc (09022015). Collection method: clinical testing. Allele origin: germline.

CeGaT Center for Human Genetics Tuebingen
Classification: Benign. Last evaluated: 2025-08-01. Review status: criteria provided, single submitter. Criteria: CeGaT Center For Human Genetics Tuebingen Variant Classification Criteria Version 2. Collection method: clinical testing. Allele origin: germline. Affected: yes. Observed: 1 variant allele.
Comment: OPA3: BP4, BS1, BS2

Blueprint Genetics
Classification: Likely benign. Last evaluated: 2024-11-26. Review status: criteria provided, single submitter. Criteria: ACMG Guidelines, 2015. Collection method: clinical testing. Allele origin: germline.

Mayo Clinic Laboratories, Mayo Clinic
Classification: Benign. Last evaluated: 2024-11-25. Review status: criteria provided, single submitter. Criteria: ACMG Guidelines, 2015. Collection method: clinical testing. Allele origin: germline. Observed: 5 variant alleles.
Comment: BS1, BS2, BP4

Illumina Laboratory Services, Illumina
Classification: Likely benign for 3-Methylglutaconic aciduria type 3. Last evaluated: 2018-01-12. Review status: criteria provided, single submitter. Criteria: ICSL Variant Classification Criteria 13 December 2019. Collection method: clinical testing. Allele origin: germline.
Comment: This variant was observed in the ICSL laboratory as part of a predisposition screen in an ostensibly healthy population. It had not been previously curated by ICSL or reported in the Human Gene Mutation Database (HGMD: prior to June 1st, 2018), and was therefore a candidate for classification through an automated scoring system. Utilizing variant allele frequency, disease prevalence and penetrance estimates, and inheritance mode, an automated score was calculated to assess if this variant is too frequent to cause the disease. Based on the score and internal cut-off values, a variant classified as likely benign is not then subjected to further curation. The score for this variant resulted in a classification of likely benign for this disease.

Illumina Laboratory Services, Illumina
Classification: Benign for Optic atrophy 3. Last evaluated: 2018-01-12. Review status: criteria provided, single submitter. Criteria: ICSL Variant Classification Criteria 13 December 2019. Collection method: clinical testing. Allele origin: germline.
Comment: This variant was observed in the ICSL laboratory as part of a predisposition screen in an ostensibly healthy population. It had not been previously curated by ICSL or reported in the Human Gene Mutation Database (HGMD: prior to June 1st, 2018), and was therefore a candidate for classification through an automated scoring system. Utilizing variant allele frequency, disease prevalence and penetrance estimates, and inheritance mode, an automated score was calculated to assess if this variant is too frequent to cause the disease. Based on the score and internal cut-off values, a variant classified as benign is not then subjected to further curation. The score for this variant resulted in a classification of benign for this disease.

Eurofins Ntd Llc (ga)
Classification: Benign. Last evaluated: 2015-12-02. Review status: criteria provided, single submitter. Criteria: EGL Classification Definitions 2015. Collection method: clinical testing. Allele origin: germline. Observed: 4 variant alleles, 4 heterozygotes.

GeneDx
Classification: Benign. Last evaluated: 2015-03-03. Review status: criteria provided, single submitter. Criteria: GeneDx Variant Classification Process June 2021. Collection method: clinical testing. Allele origin: germline. Affected: yes.

Natera, Inc.
Classification: Benign for 3-methylglutaconic aciduria type 3. Last evaluated: 2020-09-16. Review status: no assertion criteria provided. Collection method: clinical testing. Allele origin: germline. Not counted in ClinVar's aggregate classification.

NM_025136.4(OPA3):c.412G>A (p.Ala138Thr)

Genes: OPA3 (outer mitochondrial membrane lipid metabolism regulator OPA3; minus strand), OPA3-RTN2 (OPA3-RTN2 readthrough; minus strand). Cytogenetic location: 19q13.32.
Variant type: single nucleotide variant.
Coding change: c.412G>A on transcript NM_025136.4 (MANE Select); coding-DNA position 412, G replaced by A.
Protein change: p.Ala138Thr; replaces alanine 138 with threonine.
Molecular consequence: missense variant. On other transcripts: intron variant (1).
Genome position (GRCh38, 1-based): chr19:45,553,642, C>T on the plus strand (G>A on the coding strand, the complement: OPA3 is on the minus strand). VCF-style: chr19-45553642-C-T. GRCh37 (hg19) VCF-style: chr19-46056900-C-T.
Other names: p.Ala138Thr; c.143-24186G>A (NM_001017989.3); short protein forms A138T.
Identifiers: ClinVar variation 280981 (VCV000280981.33), dbSNP rs201574732, ClinGen allele CA9517397.